The following is an entry in ClinVar:

ClinVar aggregate classification (germline): Uncertain significance. Review status: criteria provided, multiple submitters, no conflicts (2 of 4 stars). 2 submissions from 2 submitters: Uncertain significance (2). Last evaluated 2025-10-07.

Conditions:
OPLAH-related disorder. Also called: OPLAH-related condition.
5-Oxoprolinase deficiency (OPLAHD). Also called: 5-OXOPROLINURIA DUE TO 5-OXOPROLINASE DEFICIENCY. Identifiers: Orphanet 33572, MedGen C0268525, MONDO:0009825, OMIM 260005, HP:0040142.

gnomAD v4.1: 15 of 1,593,862 alleles (0.00094%); highest among the groups gnomAD compares: East Asian, 0.025%; no homozygotes.

Submissions (2):

PreventionGenetics, part of Exact Sciences
Classification: Uncertain significance for OPLAH-related condition. Last evaluated: 2025-10-07. Review status: criteria provided, single submitter. Criteria: ACMG Guidelines, 2015. Collection method: clinical testing. Allele origin: germline.
Comment: The OPLAH c.802A>C variant is predicted to result in the amino acid substitution p.Met268Leu. To our knowledge, this variant has not been reported in the literature or in a large population database (gnomAD), indicating this variant is rare. At this time, the clinical significance of this variant is uncertain due to the absence of conclusive functional and genetic evidence.

Labcorp Genetics (formerly Invitae), Labcorp
Classification: Uncertain significance for 5-Oxoprolinase deficiency. Last evaluated: 2025-06-02. Review status: criteria provided, single submitter. Criteria: Invitae Variant Classification Sherloc (09022015). Collection method: clinical testing. Allele origin: germline.
Comment: This sequence change replaces methionine, which is neutral and non-polar, with leucine, which is neutral and non-polar, at codon 268 of the OPLAH protein (p.Met268Leu). This variant is not present in population databases (gnomAD no frequency). This variant has not been reported in the literature in individuals affected with OPLAH-related conditions. Experimental studies and prediction algorithms are not available or were not evaluated, and the functional significance of this variant is currently unknown. In summary, the available evidence is currently insufficient to determine the role of this variant in disease. Therefore, it has been classified as a Variant of Uncertain Significance.

NM_017570.5(OPLAH):c.802A>C (p.Met268Leu)

Gene: OPLAH (5-oxoprolinase, ATP-hydrolysing; minus strand). Cytogenetic location: 8q24.3.
Variant type: single nucleotide variant.
Coding change: c.802A>C on transcript NM_017570.5 (MANE Select); coding-DNA position 802, A replaced by C.
Protein change: p.Met268Leu; replaces methionine 268 with leucine.
Molecular consequence: missense variant.
Genome position (GRCh38, 1-based): chr8:144,058,386, T>G on the plus strand (A>C on the coding strand, the complement: OPLAH is on the minus strand). VCF-style: chr8-144058386-T-G. GRCh37 (hg19) VCF-style: chr8-145113289-T-G.
Other names: c.802A>C (NM_017570.4); short protein forms M268L.
Identifiers: ClinVar variation 4693226 (VCV004693226.2).